The following is an entry in ClinVar:

NM_000292.3(PHKA2):c.895G>T (p.Asp299Tyr)

Gene: PHKA2 (phosphorylase kinase regulatory subunit alpha 2; minus strand). Cytogenetic location: Xp22.13.
Variant type: single nucleotide variant.
Coding change: c.895G>T on transcript NM_000292.3 (MANE Select); coding-DNA position 895, G replaced by T.
Protein change: p.Asp299Tyr; replaces aspartic acid 299 with tyrosine.
Molecular consequence: missense variant.
Genome position (GRCh38, 1-based): chrX:18,940,018, C>A on the plus strand (G>T on the coding strand, the complement: PHKA2 is on the minus strand). VCF-style: chrX-18940018-C-A. GRCh37 (hg19) VCF-style: chrX-18958136-C-A.
Other names: c.895G>T, p.Asp299Tyr (NM_001440800.1, NM_001440801.1, NM_001440805.1); c.796G>T, p.Asp266Tyr (NM_001440802.1, NM_001440803.1, NM_001440804.1); short protein forms D266Y, D299Y.
Identifiers: ClinVar variation 4999132 (VCV004999132.1).

ClinVar aggregate classification (germline): Likely pathogenic (1 of 4 stars; one submission).

Conditions:
PHKA2-related disorder. Also called: PHKA2-related condition.

Submission:

PreventionGenetics, part of Exact Sciences
Classification: Likely pathogenic for PHKA2-related condition. Last evaluated: 2025-03-05. Review status: criteria provided, single submitter. Criteria: ACMG Guidelines, 2015. Collection method: clinical testing. Allele origin: germline.
Comment: The PHKA2 c.895G>T variant is predicted to result in the amino acid substitution p.Asp299Tyr. To our knowledge, this variant has not been reported in the literature or in a large population database (gnomAD), indicating this variant is rare. An alternate nucleotide change affecting the same amino acid (p.Asp299Gly) has been reported in individuals affected with PHKA2-related disorders (Davit-Spraul. 2011. PubMed ID: 21646031; Beauchamp et al. 2007. PubMed ID: 17689125; Burwinkel et al. 1996. PubMed ID: 8733134), and the c.895G>T variant is located in a region of particularly high sequence conservation where several pathogenic variants have been reported (Burwinkel et al. 1996. PubMed ID: 8733134). This variant is interpreted as likely pathogenic.